The following is an entry in ClinVar:

NM_001009944.3(PKD1):c.3804G>C (p.Gln1268His)

Gene: PKD1 (polycystin 1, transient receptor potential channel interacting; minus strand). Cytogenetic location: 16p13.3.
Variant type: single nucleotide variant.
Coding change: c.3804G>C on transcript NM_001009944.3 (MANE Select); coding-DNA position 3804, G replaced by C.
Protein change: p.Gln1268His; replaces glutamine 1268 with histidine.
Molecular consequence: missense variant.
Genome position (GRCh38, 1-based): chr16:2,111,363, C>G on the plus strand (G>C on the coding strand, the complement: PKD1 is on the minus strand). VCF-style: chr16-2111363-C-G. GRCh37 (hg19) VCF-style: chr16-2161364-C-G.
Other names: c.3804G>C, p.Gln1268His (NM_000296.4); short protein forms Q1268H.
Identifiers: ClinVar variation 4995838 (VCV004995838.1).
Genomic context (GRCh38, chr16:2,111,363, plus strand): 5'-GTGCAGGCTCCGGGCCAGGTGGCCGGCGGGGCTGGCCGCACCCACGGTCACTGTGCAGTT[C>G]TGTGCCCGCAGGTACACATGCTCCACTGTTGCCTCCGGGCCCGACAGCACGGTGCCGTCC-3'
Protein context (NP_001009944.3, residues 1258-1278): ATVEHVYLRA[Gln1268His]NCTVTVGAAS

ClinVar aggregate classification (germline): Uncertain significance (1 of 4 stars; one submission).

Conditions:
PKD1-related disorder. Also called: PKD1-related condition.

Submission:

PreventionGenetics, part of Exact Sciences
Classification: Uncertain significance for PKD1-related condition. Last evaluated: 2025-09-26. Review status: criteria provided, single submitter. Criteria: ACMG Guidelines, 2015. Collection method: clinical testing. Allele origin: germline.
Comment: The PKD1 c.3804G>C variant is predicted to result in the amino acid substitution p.Gln1268His. To our knowledge, this variant has not been reported in the literature or in a large population database (gnomAD), indicating this variant is rare. At this time, the clinical significance of this variant is uncertain due to the absence of conclusive functional and genetic evidence.